The following is an entry in ClinVar:

NM_001330260.2(SCN8A):c.4174G>A (p.Val1392Met)

Gene: SCN8A (sodium voltage-gated channel alpha subunit 8; plus strand). Cytogenetic location: 12q13.13.
Variant type: single nucleotide variant.
Coding change: c.4174G>A on transcript NM_001330260.2 (MANE Select); coding-DNA position 4174, G replaced by A.
Protein change: p.Val1392Met; replaces valine 1392 with methionine.
Molecular consequence: missense variant.
Genome position (GRCh38, 1-based): chr12:51,786,773, G>A. VCF-style: chr12-51786773-G-A. GRCh37 (hg19) VCF-style: chr12-52180557-G-A.
Other names: c.4051G>A, p.Val1351Met (NM_001177984.3, NM_001369788.1); c.4174G>A, p.Val1392Met (NM_014191.4); short protein forms V1351M, V1392M.
Identifiers: ClinVar variation 956528 (VCV000956528.10), dbSNP rs770135840, ClinGen allele CA6571758.

ClinVar aggregate classification (germline): Uncertain significance (1 of 4 stars; one submission).

Conditions:
Early-infantile DEE. Also called: Early infantile epileptic encephalopathy; Ohtahara syndrome; Early infantile epileptic encephalopathy with suppression bursts. Identifiers: Orphanet 1934, MedGen C0393706, MONDO:0800491.

Allele frequency attached by ClinVar (database versions not stated): gnomAD exomes below 0.00001 and 0.00001; ExAC 0.00001.
gnomAD v4.1: 9 of 1,613,928 alleles (0.00056%); highest among the groups gnomAD compares: African/African-American, 0.0013%; no homozygotes.

Submission:

Labcorp Genetics (formerly Invitae), Labcorp
Classification: Uncertain significance for Early-infantile DEE. Last evaluated: 2024-06-19. Review status: criteria provided, single submitter. Criteria: Invitae Variant Classification Sherloc (09022015). Collection method: clinical testing. Allele origin: germline.
Comment: This sequence change replaces valine, which is neutral and non-polar, with methionine, which is neutral and non-polar, at codon 1392 of the SCN8A protein (p.Val1392Met). This variant is present in population databases (rs770135840, gnomAD 0.002%). This variant has not been reported in the literature in individuals affected with SCN8A-related conditions. ClinVar contains an entry for this variant (Variation ID: 956528). Advanced modeling of protein sequence and biophysical properties (such as structural, functional, and spatial information, amino acid conservation, physicochemical variation, residue mobility, and thermodynamic stability) performed at Invitae indicates that this missense variant is expected to disrupt SCN8A protein function with a positive predictive value of 95%. In summary, the available evidence is currently insufficient to determine the role of this variant in disease. Therefore, it has been classified as a Variant of Uncertain Significance.